The following is an entry in ClinVar:

ClinVar aggregate classification (germline): Uncertain significance (1 of 4 stars; one submission).

Conditions:
Developmental delay with or without dysmorphic facies and autism. Identifiers: MedGen C5193106, MONDO:0032760, OMIM 618454.

Submission:

Institute of Human Genetics, University of Leipzig Medical Center
Classification: Uncertain significance for Developmental delay with or without dysmorphic facies and autism. Last evaluated: 2024-12-05. Review status: criteria provided, single submitter. Criteria: ACMG Guidelines, 2015. Collection method: clinical testing. Allele origin: paternal. Inheritance: Autosomal dominant inheritance. Affected: yes.
Comment: Criteria applied: PM2, PP2

NM_001375524.1(TRRAP):c.1357G>T (p.Val453Phe)

Gene: TRRAP (transformation/transcription domain associated protein; plus strand). Cytogenetic location: 7q22.1.
Variant type: single nucleotide variant.
Coding change: c.1357G>T on transcript NM_001375524.1 (MANE Select); coding-DNA position 1357, G replaced by T.
Protein change: p.Val453Phe; replaces valine 453 with phenylalanine.
Molecular consequence: missense variant.
Genome position (GRCh38, 1-based): chr7:98,910,062, G>T. VCF-style: chr7-98910062-G-T. GRCh37 (hg19) VCF-style: chr7-98507685-G-T.
Other names: c.1357G>T, p.Val453Phe (NM_001244580.2, NM_003496.4); short protein forms V453F.
Identifiers: ClinVar variation 3572881 (VCV003572881.2).
Genomic context (GRCh38, chr7:98,910,062, plus strand): 5'-GCCTGTTGAAGAAGAATAATTCTGTCTTCCCTCTTGAATTTCTCTTCCCGTTAGGTTTTC[G>T]TTCTCAAATTCCACACAATTGCTCGGTACCAGCTCTCTGCCATTTTTAAGAAGTGTAAGC-3'
Protein context (NP_001362453.1, residues 443-463): DVLMRMLEVF[Val453Phe]LKFHTIARYQ